The following is an entry in ClinVar:

NM_001195248.2(APTX):c.*756G>A

Gene: APTX (aprataxin; minus strand). Cytogenetic location: 9p21.1.
Variant type: single nucleotide variant.
Coding change: c.*756G>A on transcript NM_001195248.2 (MANE Select); 756 bases downstream of the stop codon, G replaced by A.
Molecular consequence: 3 prime UTR variant. On other transcripts: non-coding transcript variant (13).
Genome position (GRCh38, 1-based): chr9:32,972,742, C>T on the plus strand (G>A on the coding strand, the complement: APTX is on the minus strand). VCF-style: chr9-32972742-C-T. GRCh37 (hg19) VCF-style: chr9-32972740-C-T.
Other names: c.*756G>A (NM_001195249.2, NM_001195250.2, NM_001195252.2 and 15 more transcripts); c.*942G>A (NM_001195251.2, NM_001368999.1, NM_001369006.1 and 1 more transcripts).
Identifiers: ClinVar variation 913503 (VCV000913503.5), dbSNP rs115295647, ClinGen allele CA5022184.
Genomic context (GRCh38, chr9:32,972,742, plus strand): 5'-AACCACCTTTCCATGCATCAGAACCTATGCTGTGATTGTTAGCTGAACTTCAATAGTTTC[C>T]ACCTACTTAAGAGAGATGCCTCAAACAAATTAACTTTATTTTCAGACAACAGGTCCAAGA-3'

ClinVar aggregate classification (germline): Benign/Likely benign. Review status: criteria provided, multiple submitters, no conflicts (2 of 4 stars). 2 submissions from 2 submitters: Benign (1); Likely benign (1). Last evaluated 2022-04-09.

Conditions:
Ataxia, early-onset, with oculomotor apraxia and hypoalbuminemia (EAOH). Also called: ATAXIA-OCULOMOTOR APRAXIA SYNDROME; ATAXIA-TELANGIECTASIA-LIKE SYNDROME; Ataxia-oculomotor apraxia type 1. Identifiers: Orphanet 1168, MedGen C1859598, MONDO:0008842, OMIM 208920.

Allele frequency attached by ClinVar (database versions not stated): ExAC 0.00056; gnomAD exomes 0.00060 and 0.00097; gnomAD 0.00517 and 0.00544; TOPMed 0.00564; 1000 Genomes Project 0.00599; 1000 Genomes Project 30x 0.00656.
gnomAD v4.1: 964 of 454,068 alleles (0.21%); highest among the groups gnomAD compares: African/African-American, 1.8%; 6 homozygotes.

Submissions (2):

GeneDx
Classification: Likely benign. Last evaluated: 2022-04-09. Review status: criteria provided, single submitter. Criteria: GeneDx Variant Classification Process June 2021. Collection method: clinical testing. Allele origin: germline. Affected: yes.

Illumina Laboratory Services, Illumina
Classification: Benign for Ataxia, early-onset, with oculomotor apraxia and hypoalbuminemia. Last evaluated: 2018-01-12. Review status: criteria provided, single submitter. Criteria: ICSL Variant Classification Criteria 13 December 2019. Collection method: clinical testing. Allele origin: germline.
Comment: This variant was observed in the ICSL laboratory as part of a predisposition screen in an ostensibly healthy population. It had not been previously curated by ICSL or reported in the Human Gene Mutation Database (HGMD: prior to June 1st, 2018), and was therefore a candidate for classification through an automated scoring system. Utilizing variant allele frequency, disease prevalence and penetrance estimates, and inheritance mode, an automated score was calculated to assess if this variant is too frequent to cause the disease. Based on the score and internal cut-off values, a variant classified as benign is not then subjected to further curation. The score for this variant resulted in a classification of benign for this disease.